The following is an entry in ClinVar:

ClinVar aggregate classification (germline): Uncertain significance (1 of 4 stars; one submission).

Allele frequency attached by ClinVar (database versions not stated): TOPMed below 0.00001; gnomAD 0.00001; ExAC 0.00002.
gnomAD v4.1: 7 of 1,612,586 alleles (0.00043%); highest among the groups gnomAD compares: South Asian, 0.0044%; no homozygotes.

Submission:

Labcorp Genetics (formerly Invitae), Labcorp
Classification: Uncertain significance. Last evaluated: 2022-10-18. Review status: criteria provided, single submitter. Criteria: Invitae Variant Classification Sherloc (09022015). Collection method: clinical testing. Allele origin: germline.
Comment: In summary, the available evidence is currently insufficient to determine the role of this variant in disease. Therefore, it has been classified as a Variant of Uncertain Significance. Advanced modeling of protein sequence and biophysical properties (such as structural, functional, and spatial information, amino acid conservation, physicochemical variation, residue mobility, and thermodynamic stability) performed at Invitae indicates that this missense variant is expected to disrupt SEPT9 protein function. This variant has not been reported in the literature in individuals affected with SEPT9-related conditions. This variant is present in population databases (rs758280589, gnomAD 0.007%). This sequence change replaces arginine, which is basic and polar, with cysteine, which is neutral and slightly polar, at codon 89 of the SEPT9 protein (p.Arg89Cys).

NM_001113491.2(SEPTIN9):c.319C>T (p.Arg107Cys)

Gene: SEPTIN9 (septin 9; plus strand). Cytogenetic location: 17q25.3.
Variant type: single nucleotide variant.
Coding change: c.319C>T on transcript NM_001113491.2 (MANE Select); coding-DNA position 319, C replaced by T.
Protein change: p.Arg107Cys; replaces arginine 107 with cysteine.
Molecular consequence: missense variant. On other transcripts: 5 prime UTR variant (2).
Genome position (GRCh38, 1-based): chr17:77,402,301, C>T. VCF-style: chr17-77402301-C-T. GRCh37 (hg19) VCF-style: chr17-75398383-C-T.
Other names: c.-174C>T (NM_001113492.2, NM_001113494.1); c.298C>T, p.Arg100Cys (NM_001113493.2); c.262C>T, p.Arg88Cys (NM_001293695.2); c.265C>T, p.Arg89Cys (NM_006640.5); short protein forms R107C, R88C, R89C, R100C.
Identifiers: ClinVar variation 2983035 (VCV002983035.3), dbSNP rs758280589, ClinGen allele CA8793172.
Genomic context (GRCh38, chr17:77,402,301, plus strand): 5'-AAGGCGTCCCTGCGGAGGGTGGAGCTCTCGGGCCCCAAGGCGGCCGAGCCGGTGTCCCGG[C>T]GCACTGAGCTGTCCATTGACATCTCGTCCAAGCAGGTGGAGAACGCCGGGGCCATCGGCC-3'
Protein context (NP_001106963.1, residues 97-117): GPKAAEPVSR[Arg107Cys]TELSIDISSK